The following is an entry in ClinVar:

NM_000747.3(CHRNB1):c.775A>T (p.Ile259Phe)

Gene: CHRNB1 (cholinergic receptor nicotinic beta 1 subunit; plus strand). Cytogenetic location: 17p13.1.
Variant type: single nucleotide variant.
Coding change: c.775A>T on transcript NM_000747.3 (MANE Select); coding-DNA position 775, A replaced by T.
Protein change: p.Ile259Phe; replaces isoleucine 259 with phenylalanine.
Molecular consequence: missense variant.
Genome position (GRCh38, 1-based): chr17:7,448,743, A>T. VCF-style: chr17-7448743-A-T. GRCh37 (hg19) VCF-style: chr17-7352062-A-T.
Other names: short protein forms I259F.
Identifiers: ClinVar variation 1024802 (VCV001024802.8), dbSNP rs1908768345, ClinGen allele CA397794889.
Genomic context (GRCh38, chr17:7,448,743, plus strand): 5'-CTCATCATCCGCCGCAAGCCTCTCTTCTACCTGGTCAACGTCATTGCCCCATGCATCCTC[A>T]TCACTCTTCTGGCCATCTTCGTCTTCTACCTGCCACCAGATGCAGGTAATGGGGGAAGGG-3'
Protein context (NP_000738.2, residues 249-269): LVNVIAPCIL[Ile259Phe]TLLAIFVFYL

ClinVar aggregate classification (germline): Uncertain significance (1 of 4 stars; one submission).

Conditions:
Congenital myasthenic syndrome 2A. Also called: Myasthenic syndrome, congenital, 2a, slow-channel. Identifiers: Orphanet 590, MedGen C4225374, MONDO:0014581, OMIM 616313.

Submission:

Labcorp Genetics (formerly Invitae), Labcorp
Classification: Uncertain significance for Congenital myasthenic syndrome 2A. Last evaluated: 2020-07-15. Review status: criteria provided, single submitter. Criteria: Invitae Variant Classification Sherloc (09022015). Collection method: clinical testing. Allele origin: germline.
Comment: In summary, the available evidence is currently insufficient to determine the role of this variant in disease. Therefore, it has been classified as a Variant of Uncertain Significance. Algorithms developed to predict the effect of missense changes on protein structure and function are either unavailable or do not agree on the potential impact of this missense change (SIFT: "Deleterious"; PolyPhen-2: "Probably Damaging"; Align-GVGD: "Class C0"). This variant has not been reported in the literature in individuals with CHRNB1-related conditions. This variant is not present in population databases (ExAC no frequency). This sequence change replaces isoleucine with phenylalanine at codon 259 of the CHRNB1 protein (p.Ile259Phe). The isoleucine residue is highly conserved and there is a small physicochemical difference between isoleucine and phenylalanine.